The following is an entry in ClinVar:

NM_000049.4(ASPA):c.326A>G (p.Tyr109Cys)

Genes: ASPA (aspartoacylase; plus strand), SPATA22 (spermatogenesis associated 22; minus strand). Cytogenetic location: 17p13.2.
Variant type: single nucleotide variant.
Coding change: c.326A>G on transcript NM_000049.4 (MANE Select); coding-DNA position 326, A replaced by G.
Protein change: p.Tyr109Cys; replaces tyrosine 109 with cysteine.
Molecular consequence: missense variant. On other transcripts: intron variant (2).
Genome position (GRCh38, 1-based): chr17:3,481,692, A>G. VCF-style: chr17-3481692-A-G. GRCh37 (hg19) VCF-style: chr17-3384986-A-G.
Other names: c.326A>G, p.Tyr109Cys (NM_001128085.1); c.-73-12294T>C (NM_001321336.2, NM_001321337.2); short protein forms Y109C.
Identifiers: ClinVar variation 2164450 (VCV002164450.3), dbSNP rs1229569874, ClinGen allele CA397682254.

ClinVar aggregate classification (germline): Uncertain significance (1 of 4 stars; one submission).

Conditions:
Spongy degeneration of central nervous system. Also called: ACY2 DEFICIENCY; AMINOACYLASE 2 DEFICIENCY; ASP DEFICIENCY; ASPA DEFICIENCY; ASPARTOACYLASE DEFICIENCY; CANAVAN-VAN BOGAERT-BERTRAND DISEASE. Identifiers: Orphanet 141, MedGen C0206307, MONDO:0010079, OMIM 271900.

Allele frequency attached by ClinVar (database versions not stated): gnomAD exomes 0.00001; gnomAD 0.00001; TOPMed 0.00001.
gnomAD v4.1: 12 of 1,613,770 alleles (0.00074%); highest among the groups gnomAD compares: African/African-American, 0.0013%; no homozygotes.

Submission:

Labcorp Genetics (formerly Invitae), Labcorp
Classification: Uncertain significance for Spongy degeneration of central nervous system. Last evaluated: 2022-07-23. Review status: criteria provided, single submitter. Criteria: Invitae Variant Classification Sherloc (09022015). Collection method: clinical testing. Allele origin: germline.
Comment: This variant is not present in population databases (gnomAD no frequency). This sequence change replaces tyrosine, which is neutral and polar, with cysteine, which is neutral and slightly polar, at codon 109 of the ASPA protein (p.Tyr109Cys). This variant has not been reported in the literature in individuals affected with ASPA-related conditions. In summary, the available evidence is currently insufficient to determine the role of this variant in disease. Therefore, it has been classified as a Variant of Uncertain Significance. Algorithms developed to predict the effect of missense changes on protein structure and function output the following: SIFT: "Deleterious"; PolyPhen-2: "Benign"; Align-GVGD: "Class C0". The cysteine amino acid residue is found in multiple mammalian species, which suggests that this missense change does not adversely affect protein function.